The following is an entry in ClinVar:

NM_001953.5(TYMP):c.841G>A (p.Val281Met)

Gene: TYMP (thymidine phosphorylase; minus strand). Cytogenetic location: 22q13.33.
Variant type: single nucleotide variant.
Coding change: c.841G>A on transcript NM_001953.5 (MANE Select); coding-DNA position 841, G replaced by A.
Protein change: p.Val281Met; replaces valine 281 with methionine.
Molecular consequence: missense variant.
Genome position (GRCh38, 1-based): chr22:50,526,663, C>T on the plus strand (G>A on the coding strand, the complement: TYMP is on the minus strand). VCF-style: chr22-50526663-C-T. GRCh37 (hg19) VCF-style: chr22-50965092-C-T.
Other names: c.841G>A, p.Val281Met (NM_001113755.3, NM_001113756.3, NM_001257988.1 and 1 more transcripts); c.841G>A (NM_001953.3); short protein forms V281M.
Identifiers: ClinVar variation 1921794 (VCV001921794.4), dbSNP rs1272477035, ClinGen allele CA412199142.

ClinVar aggregate classification (germline): Uncertain significance. Review status: criteria provided, multiple submitters, no conflicts (2 of 4 stars). 3 submissions from 3 submitters: Uncertain significance (3). Last evaluated 2024-02-27.

Allele frequency attached by ClinVar (database versions not stated): TOPMed below 0.00001; gnomAD 0.00002.
gnomAD v4.1: 7 of 1,556,024 alleles (0.00045%); highest among the groups gnomAD compares: Admixed American, 0.0057%; no homozygotes.

Submissions (3):

GeneDx
Classification: Uncertain significance. Last evaluated: 2024-02-27. Review status: criteria provided, single submitter. Criteria: GeneDx Variant Classification Process June 2021. Collection method: clinical testing. Allele origin: germline. Affected: yes.
Comment: Not observed at significant frequency in large population cohorts (gnomAD); In silico analysis supports that this missense variant does not alter protein structure/function; Has not been previously published as pathogenic or benign to our knowledge

Blueprint Genetics
Classification: Uncertain significance. Last evaluated: 2023-10-10. Review status: criteria provided, single submitter. Criteria: ACMG Guidelines, 2015. Collection method: clinical testing. Allele origin: germline.

Labcorp Genetics (formerly Invitae), Labcorp
Classification: Uncertain significance. Last evaluated: 2022-05-30. Review status: criteria provided, single submitter. Criteria: Invitae Variant Classification Sherloc (09022015). Collection method: clinical testing. Allele origin: germline.
Comment: This sequence change replaces valine, which is neutral and non-polar, with methionine, which is neutral and non-polar, at codon 281 of the TYMP protein (p.Val281Met). This variant is present in population databases (no rsID available, gnomAD 0.004%). This variant has not been reported in the literature in individuals affected with TYMP-related conditions. Advanced modeling of protein sequence and biophysical properties (such as structural, functional, and spatial information, amino acid conservation, physicochemical variation, residue mobility, and thermodynamic stability) performed at Invitae indicates that this missense variant is expected to disrupt TYMP protein function. In summary, the available evidence is currently insufficient to determine the role of this variant in disease. Therefore, it has been classified as a Variant of Uncertain Significance.